The following is an entry in ClinVar:

NM_001040108.2(MLH3):c.2778G>C (p.Lys926Asn)

Gene: MLH3 (mutL homolog 3; minus strand). Cytogenetic location: 14q24.3.
Variant type: single nucleotide variant.
Coding change: c.2778G>C on transcript NM_001040108.2 (MANE Select); coding-DNA position 2778, G replaced by C.
Protein change: p.Lys926Asn; replaces lysine 926 with asparagine.
Molecular consequence: missense variant.
Genome position (GRCh38, 1-based): chr14:75,046,878, C>G on the plus strand (G>C on the coding strand, the complement: MLH3 is on the minus strand). VCF-style: chr14-75046878-C-G. GRCh37 (hg19) VCF-style: chr14-75513581-C-G.
Other names: c.2778G>C, p.Lys926Asn (NM_014381.3); short protein forms K926N.
Identifiers: ClinVar variation 4055504 (VCV004055504.1).
Genomic context (GRCh38, chr14:75,046,878, plus strand): 5'-GGAATTATCCTGTGTGGCAGAATCTGATGTTGGGATGACACCATTCTCTGTTTTTTCATG[C>G]TTGTTGTTAAATAACATACAAAAATCTTGTGTTAACACACTGCACAACTTGCTGTCTTTC-3'
Protein context (NP_001035197.1, residues 916-936): TQDFCMLFNN[Lys926Asn]HEKTENGVIP

ClinVar aggregate classification (germline): Uncertain significance (1 of 4 stars; one submission).

Submission:

Ambry Genetics
Classification: Uncertain significance. Last evaluated: 2025-05-18. Review status: criteria provided, single submitter. Criteria: Ambry Variant Classification Scheme 2023. Collection method: clinical testing. Allele origin: germline.
Comment: The p.K926N variant (also known as c.2778G>C), located in coding exon 1 of the MLH3 gene, results from a G to C substitution at nucleotide position 2778. The lysine at codon 926 is replaced by asparagine, an amino acid with similar properties. This amino acid position is conserved. In addition, this alteration is predicted to be tolerated by in silico analysis. Based on the available evidence, the clinical significance of this variant remains unclear.